The following is an entry in ClinVar:

ClinVar aggregate classification (germline): Uncertain significance. Review status: criteria provided, multiple submitters, no conflicts (2 of 4 stars). 2 submissions from 2 submitters: Uncertain significance (2). Last evaluated 2025-05-20.

Conditions:
Hereditary cancer-predisposing syndrome. Also called: Neoplastic Syndromes, Hereditary; Hereditary neoplastic syndrome; Tumor predisposition; Hereditary Cancer Syndrome. Identifiers: Orphanet 140162, MedGen C0027672, MeSH D009386, MONDO:0015356.
Cardiovascular phenotype. Identifiers: MedGen CN230736.
Neurofibromatosis, type 1 (NF1). Also called: Peripheral type neurofibromatosis; Neurofibromatosis, type I; VON RECKLINGHAUSEN DISEASE; NEUROFIBROMATOSIS, TYPE I, SOMATIC. Identifiers: Orphanet 636, MedGen C0027831, MONDO:0018975, OMIM 162200. Disease mechanism: loss of function.

Allele frequency attached by ClinVar (database versions not stated): gnomAD 0.00001.

Submissions (2):

Ambry Genetics
Classification: Uncertain significance for Cardiovascular phenotype; Hereditary cancer-predisposing syndrome. Last evaluated: 2025-05-20. Review status: criteria provided, single submitter. Criteria: Ambry Variant Classification Scheme 2023. Collection method: clinical testing. Allele origin: germline.
Comment: The c.1721+3dupA intronic variant, results from a duplication of two nucleotides at nucleotide position 1721 after intron 15 of the NF1 gene. This nucleotide position is highly conserved in available vertebrate species. In silico splice site analysis predicts that this alteration will not have any significant effect on splicing. Based on the available evidence, the clinical significance of this variant remains unclear.

Labcorp Genetics (formerly Invitae), Labcorp
Classification: Uncertain significance for Neurofibromatosis, type 1. Last evaluated: 2024-12-09. Review status: criteria provided, single submitter. Criteria: Invitae Variant Classification Sherloc (09022015). Collection method: clinical testing. Allele origin: germline.
Comment: This sequence change falls in intron 15 of the NF1 gene. It does not directly change the encoded amino acid sequence of the NF1 protein. It affects a nucleotide within the consensus splice site. This variant is present in population databases (no rsID available, gnomAD 0.1%). This variant has not been reported in the literature in individuals affected with NF1-related conditions. ClinVar contains an entry for this variant (Variation ID: 837851). Variants that disrupt the consensus splice site are a relatively common cause of aberrant splicing (PMID: 17576681, 9536098). Algorithms developed to predict the effect of sequence changes on RNA splicing suggest that this variant is not likely to affect RNA splicing. In summary, the available evidence is currently insufficient to determine the role of this variant in disease. Therefore, it has been classified as a Variant of Uncertain Significance.

Literature cited by the submitters: PubMed 17576681 (cited by Labcorp Genetics (formerly Invitae), Labcorp); PubMed 9536098 (cited by Labcorp Genetics (formerly Invitae), Labcorp).

NM_001042492.3(NF1):c.1721+3dup

Gene: NF1 (neurofibromin 1; plus strand). Cytogenetic location: 17q11.2.
Variant type: Duplication.
Coding change: c.1721+3dup on transcript NM_001042492.3 (MANE Select); 3 bases into the intron after coding-DNA position 1721, one base duplicated (A; older notation c.1721+3dupA).
Molecular consequence: intron variant. On other transcripts: nonsense (1).
Genome position (GRCh38, 1-based): chr17:31,221,932, A duplicated. VCF-style (leftmost placement, unchanged base first): chr17-31221931-T-TA. GRCh37 (hg19) VCF-style: chr17-29548949-T-TA.
Other names: c.1724dup, p.Tyr575Ter (NM_001128147.3); c.1721+3dup (NM_000267.4); c.1721+3dupA (NM_000267.3); short protein forms Y575*.
Identifiers: ClinVar variation 837851 (VCV000837851.7), dbSNP rs1329765790, ClinGen allele CA625469008.